The following is an entry in ClinVar:

ClinVar aggregate classification (germline): Uncertain significance (1 of 4 stars; one submission).

Conditions:
Hereditary cancer-predisposing syndrome. Also called: Tumor predisposition; Neoplastic Syndromes, Hereditary; Hereditary neoplastic syndrome; Hereditary Cancer Syndrome. Identifiers: Orphanet 140162, MedGen C0027672, MeSH D009386, MONDO:0015356.

Submission:

Ambry Genetics
Classification: Uncertain significance for Hereditary cancer-predisposing syndrome. Last evaluated: 2025-08-27. Review status: criteria provided, single submitter. Criteria: Ambry Variant Classification Scheme 2023. Collection method: clinical testing. Allele origin: germline.
Comment: The p.R27M variant (also known as c.80G>T), located in coding exon 2 of the MUTYH gene, results from a G to T substitution at nucleotide position 80. The arginine at codon 27 is replaced by methionine, an amino acid with similar properties. This amino acid position is conserved. In addition, this alteration is predicted to be tolerated by in silico analysis. Based on the available evidence, the clinical significance of this variant remains unclear.

NM_001048174.2(MUTYH):c.38G>T (p.Arg13Met)

Gene: MUTYH (mutY DNA glycosylase; minus strand). Cytogenetic location: 1p34.1.
Variant type: single nucleotide variant.
Coding change: c.38G>T on transcript NM_001048174.2 (MANE Select); coding-DNA position 38, G replaced by T.
Protein change: p.Arg13Met; replaces arginine 13 with methionine.
Molecular consequence: missense variant. On other transcripts: 5 prime UTR variant (7), non-coding transcript variant (7).
Genome position (GRCh38, 1-based): chr1:45,334,468, C>A on the plus strand (G>T on the coding strand, the complement: MUTYH is on the minus strand). VCF-style: chr1-45334468-C-A. GRCh37 (hg19) VCF-style: chr1-45800140-C-A.
Other names: c.80G>T, p.Arg27Met (NM_001407073.1, NM_001128425.2, NM_001293190.2 and 2 more transcripts); c.-119G>T (NM_001407075.1); c.38G>T, p.Arg13Met (NM_001407077.1, NM_001407078.1, NM_001407079.1 and 15 more transcripts); c.-170G>T (NM_001407082.1, NM_001350651.2); c.56G>T, p.Arg19Met (NM_001407087.1); c.-175G>T (NM_001293192.2, NM_001293196.2, NM_001407091.1); c.-234G>T (NM_001350650.2); short protein forms R13M, R27M, R19M.
Identifiers: ClinVar variation 4112853 (VCV004112853.1).